The following is an entry in ClinVar:

NM_006766.5(KAT6A):c.3386G>A (p.Arg1129Gln)

Gene: KAT6A (lysine acetyltransferase 6A; minus strand). Cytogenetic location: 8p11.21.
Variant type: single nucleotide variant.
Coding change: c.3386G>A on transcript NM_006766.5 (MANE Select); coding-DNA position 3386, G replaced by A.
Protein change: p.Arg1129Gln; replaces arginine 1129 with glutamine.
Molecular consequence: missense variant.
Genome position (GRCh38, 1-based): chr8:41,934,834, C>T on the plus strand (G>A on the coding strand, the complement: KAT6A is on the minus strand). VCF-style: chr8-41934834-C-T. GRCh37 (hg19) VCF-style: chr8-41792352-C-T.
Other names: c.3386G>A (NM_006766.4); short protein forms R1129Q.
Identifiers: ClinVar variation 2432967 (VCV002432967.5), dbSNP rs771696360, ClinGen allele CA4729681.

ClinVar aggregate classification (germline): Uncertain significance. Review status: criteria provided, single submitter (1 of 4 stars). 2 submissions from 2 submitters: Uncertain significance (1). 1 of the submissions does not count toward it. Last evaluated 2024-08-19.

Conditions:
Autosomal dominant intellectual disability-craniofacial anomalies-cardiac defects syndrome (ARTHS). Also called: KAT6A syndrome; Mental retardation, autosomal dominant 32; Arboleda-Tham syndrome. Identifiers: Orphanet 457193, MedGen C4225396, MONDO:0014558, OMIM 616268.
KAT6A-related disorder. Also called: KAT6A-related condition.

Allele frequency attached by ClinVar (database versions not stated): gnomAD 0.00001; TOPMed 0.00001; ExAC 0.00001; gnomAD exomes 0.00003.
gnomAD v4.1: 42 of 1,611,762 alleles (0.0026%); highest among the groups gnomAD compares: South Asian, 0.0033%; no homozygotes.

Submissions (2):

Revvity Omics, Revvity
Classification: Uncertain significance for Autosomal dominant intellectual disability-craniofacial anomalies-cardiac defects syndrome. Last evaluated: 2024-08-19. Review status: criteria provided, single submitter. Criteria: ACMG Guidelines, 2015. Collection method: clinical testing. Allele origin: germline.

PreventionGenetics, part of Exact Sciences
Classification: Uncertain significance for KAT6A-related condition. Last evaluated: 2024-06-14. Review status: no assertion criteria provided. Collection method: clinical testing. Allele origin: germline. Not counted in ClinVar's aggregate classification.
Comment: The KAT6A c.3386G>A variant is predicted to result in the amino acid substitution p.Arg1129Gln. To our knowledge, this variant has not been reported in the literature. This variant is reported in 0.00090% of alleles in individuals of European (Non-Finnish) descent in gnomAD. At this time, the clinical significance of this variant is uncertain due to the absence of conclusive functional and genetic evidence.